The following is an entry in ClinVar:

ClinVar aggregate classification (germline): Uncertain significance (1 of 4 stars; one submission).

Submission:

Labcorp Genetics (formerly Invitae), Labcorp
Classification: Uncertain significance. Last evaluated: 2024-11-05. Review status: criteria provided, single submitter. Criteria: Invitae Variant Classification Sherloc (09022015). Collection method: clinical testing. Allele origin: germline.
Comment: This sequence change replaces aspartic acid, which is acidic and polar, with asparagine, which is neutral and polar, at codon 273 of the ASRGL1 protein (p.Asp273Asn). This variant is not present in population databases (gnomAD no frequency). This variant has not been reported in the literature in individuals affected with ASRGL1-related conditions. ClinVar contains an entry for this variant (Variation ID: 1050934). An algorithm developed to predict the effect of missense changes on protein structure and function outputs the following: PolyPhen-2: "Benign". The asparagine amino acid residue is found in multiple mammalian species, which suggests that this missense change does not adversely affect protein function. In summary, the available evidence is currently insufficient to determine the role of this variant in disease. Therefore, it has been classified as a Variant of Uncertain Significance.

NM_001083926.2(ASRGL1):c.817G>A (p.Asp273Asn)

Gene: ASRGL1 (asparaginase and isoaspartyl peptidase 1; plus strand). Cytogenetic location: 11q12.3.
Variant type: single nucleotide variant.
Coding change: c.817G>A on transcript NM_001083926.2 (MANE Select); coding-DNA position 817, G replaced by A.
Protein change: p.Asp273Asn; replaces aspartic acid 273 with asparagine.
Molecular consequence: missense variant.
Genome position (GRCh38, 1-based): chr11:62,392,174, G>A. VCF-style: chr11-62392174-G-A. GRCh37 (hg19) VCF-style: chr11-62159646-G-A.
Other names: c.817G>A, p.Asp273Asn (NM_025080.4); short protein forms D273N.
Identifiers: ClinVar variation 1050934 (VCV001050934.9), dbSNP rs2134707819, ClinGen allele CA380871735.
Genomic context (GRCh38, chr11:62,392,174, plus strand): 5'-GGTTATATGAAGTCAAGGGTTAAAGGTTTAGGTGGCCTCATCGTGGTTAGCAAAACAGGA[G>A]ACTGGGTGGCAAAGTGGACCTCCACCTCCATGCCCTGGGCAGCCGCCAAGGACGGCAAGC-3'
Protein context (NP_001077395.1, residues 263-283): GGLIVVSKTG[Asp273Asn]WVAKWTSTSM